The following is an entry in ClinVar:

NM_001350162.2(TEX15):c.4569C>T (p.Ser1523=)

Gene: TEX15 (testis expressed 15, meiosis and synapsis associated; minus strand). Cytogenetic location: 8p12.
Variant type: single nucleotide variant.
Coding change: c.4569C>T on transcript NM_001350162.2 (MANE Select); coding-DNA position 4569, C replaced by T.
Protein change: p.Ser1523=; no amino-acid change (serine 1523 retained).
Molecular consequence: synonymous variant.
Genome position (GRCh38, 1-based): chr8:30,845,598, G>A on the plus strand (C>T on the coding strand, the complement: TEX15 is on the minus strand). VCF-style: chr8-30845598-G-A. GRCh37 (hg19) VCF-style: chr8-30703114-G-A.
Other names: c.3420C>T, p.Ser1140= (NM_031271.3).
Identifiers: ClinVar variation 3048795 (VCV003048795.3), dbSNP rs149598980, ClinGen allele CA4703021.

ClinVar aggregate classification (germline): Likely benign. Review status: criteria provided, single submitter (1 of 4 stars). 2 submissions from 2 submitters: Likely benign (1). 1 of the submissions does not count toward it. Last evaluated 2023-12-29.

Conditions:
TEX15-related disorder. Also called: TEX15-related condition.

Allele frequency attached by ClinVar (database versions not stated): gnomAD exomes 0.00017; ExAC 0.00045; ESP Exome Variant Server 0.00161; TOPMed 0.00164; gnomAD 0.00165; 1000 Genomes Project 30x 0.00203; 1000 Genomes Project 0.00220.
gnomAD v4.1: 503 of 1,613,592 alleles (0.031%); highest among the groups gnomAD compares: African/African-American, 0.6%; no homozygotes.

Submissions (2):

Blueprint Genetics
Classification: Likely benign. Last evaluated: 2023-12-29. Review status: criteria provided, single submitter. Criteria: ACMG Guidelines, 2015. Collection method: clinical testing. Allele origin: germline.

PreventionGenetics, part of Exact Sciences
Classification: Likely benign for TEX15-related condition. Last evaluated: 2019-12-03. Review status: no assertion criteria provided. Collection method: clinical testing. Allele origin: germline. Not counted in ClinVar's aggregate classification.
Comment: This variant is classified as likely benign based on ACMG/AMP sequence variant interpretation guidelines (Richards et al. 2015 PMID: 25741868, with internal and published modifications).